The following is an entry in ClinVar:

ClinVar aggregate classification (germline): Uncertain significance. Review status: criteria provided, multiple submitters, no conflicts (2 of 4 stars). 3 submissions from 3 submitters: Uncertain significance (3). Last evaluated 2025-12-19.

Conditions:
Inborn genetic diseases. Identifiers: MedGen C0950123, MeSH D030342.

Allele frequency attached by ClinVar (database versions not stated): gnomAD exomes 0.00001 and 0.00003; gnomAD 0.00002 and 0.00003; TOPMed 0.00004.
gnomAD v4.1: 45 of 1,494,612 alleles (0.003%); highest among the groups gnomAD compares: Middle Eastern, 0.069%; no homozygotes.

Submissions (3):

GeneDx
Classification: Uncertain significance. Last evaluated: 2025-12-19. Review status: criteria provided, single submitter. Criteria: GeneDx Variant Classification Process June 2021. Collection method: clinical testing. Allele origin: germline. Affected: yes.
Comment: Not observed at significant frequency in large population cohorts (gnomAD); In silico analysis suggests that this missense variant does not alter protein structure/function; Has not been previously published as pathogenic or benign to our knowledge; Observed at least once with the p.(I391F) variant on the same allele (in cis) in a patient referred for genetic testing at GeneDx

Ambry Genetics
Classification: Uncertain significance for Inborn genetic diseases. Last evaluated: 2024-12-04. Review status: criteria provided, single submitter. Criteria: Ambry Variant Classification Scheme 2023. Collection method: clinical testing. Allele origin: germline.

Blueprint Genetics
Classification: Uncertain significance. Last evaluated: 2023-11-01. Review status: criteria provided, single submitter. Criteria: ACMG Guidelines, 2015. Collection method: clinical testing. Allele origin: germline.

NM_001378609.3(OTOGL):c.2936A>G (p.Asp979Gly)

Gene: OTOGL (otogelin like; plus strand). Cytogenetic location: 12q21.31.
Variant type: single nucleotide variant.
Coding change: c.2936A>G on transcript NM_001378609.3 (MANE Select); coding-DNA position 2936, A replaced by G.
Protein change: p.Asp979Gly; replaces aspartic acid 979 with glycine.
Molecular consequence: missense variant. On other transcripts: intron variant (1).
Genome position (GRCh38, 1-based): chr12:80,296,834, A>G. VCF-style: chr12-80296834-A-G. GRCh37 (hg19) VCF-style: chr12-80690614-A-G.
Other names: c.2936A>G, p.Asp979Gly (NM_001378610.3, NM_173591.7); c.2929-5800A>G (NM_001368062.3); short protein forms D979G.
Identifiers: ClinVar variation 1341596 (VCV001341596.5), dbSNP rs990572792, ClinGen allele CA240230038.
Genomic context (GRCh38, chr12:80,296,834, plus strand): 5'-AAATAATATAGGTTGTATATATTTGTATTAATAAAATATTTGTGACATTTCAGAGTGCAG[A>G]TGATTCAGATATATCTGTCATTGCCCAGAACAAGAAATGCTTTGACAACGATATTGTTTG-3'
Protein context (NP_001365538.2, residues 969-989): DCQVFLIKSA[Asp979Gly]DSDISVIAQN